The following is an entry in ClinVar:

ClinVar aggregate classification (germline): Uncertain significance. Review status: criteria provided, multiple submitters, no conflicts (2 of 4 stars). 2 submissions from 2 submitters: Uncertain significance (2). Last evaluated 2025-12-08.

Conditions:
Inborn genetic diseases. Identifiers: MedGen C0950123, MeSH D030342.

Allele frequency attached by ClinVar (database versions not stated): ExAC 0.00002; gnomAD 0.00003; TOPMed 0.00003; 1000 Genomes Project 30x 0.00016; 1000 Genomes Project 0.00020.
gnomAD v4.1: 41 of 1,613,848 alleles (0.0025%); highest among the groups gnomAD compares: East Asian, 0.06%; no homozygotes.

Submissions (2):

Labcorp Genetics (formerly Invitae), Labcorp
Classification: Uncertain significance. Last evaluated: 2025-12-08. Review status: criteria provided, single submitter. Criteria: Invitae Variant Classification Sherloc (09022015). Collection method: clinical testing. Allele origin: germline.
Comment: This sequence change falls in intron 8 of the TIMM50 gene. It does not directly change the encoded amino acid sequence of the TIMM50 protein. It affects a nucleotide within the consensus splice site. This variant is present in population databases (rs567209992, gnomAD 0.03%). This variant has not been reported in the literature in individuals affected with TIMM50-related conditions. ClinVar contains an entry for this variant (Variation ID: 1911804). Variants that disrupt the consensus splice site are a relatively common cause of aberrant splicing (PMID: 17576681, 9536098). Algorithms developed to predict the effect of sequence changes on RNA splicing suggest that this variant is not likely to affect RNA splicing. In summary, the available evidence is currently insufficient to determine the role of this variant in disease. Therefore, it has been classified as a Variant of Uncertain Significance.

Ambry Genetics
Classification: Uncertain significance for Inborn genetic diseases. Last evaluated: 2022-04-11. Review status: criteria provided, single submitter. Criteria: Ambry Variant Classification Scheme 2023. Collection method: clinical testing. Allele origin: germline.
Comment: The c.1005+5C>T intronic alteration consists of a C to T substitution 5 nucleotides after exon 8 of the TIMM50 gene. Based on insufficient or conflicting evidence, the clinical significance of this alteration remains unclear.

Literature cited by the submitters: PubMed 17576681 (cited by Labcorp Genetics (formerly Invitae), Labcorp); PubMed 9536098 (cited by Labcorp Genetics (formerly Invitae), Labcorp).

NM_001001563.5(TIMM50):c.696+5C>T

Gene: TIMM50 (translocase of inner mitochondrial membrane 50; plus strand). Cytogenetic location: 19q13.2.
Variant type: single nucleotide variant.
Coding change: c.696+5C>T on transcript NM_001001563.5 (MANE Select); 5 bases into the intron after coding-DNA position 696, C replaced by T.
Molecular consequence: intron variant.
Genome position (GRCh38, 1-based): chr19:39,486,500, C>T. VCF-style: chr19-39486500-C-T. GRCh37 (hg19) VCF-style: chr19-39977140-C-T.
Other names: c.357+5C>T (NM_001329559.2).
Identifiers: ClinVar variation 1911804 (VCV001911804.6), dbSNP rs567209992, ClinGen allele CA9431928.
Genomic context (GRCh38, chr19:39,486,500, plus strand): 5'-TCTCCTACCGCCTATTCCGGGACGCCACAAGATACATGGATGGACACCATGTAAAGGTGC[C>T]GTGGGTTCATGGGTGGGCCTCTGGGATTTGGCGGAGTTGGCACCACCTGAGGGAAGGAGG-3'